The following is an entry in ClinVar:

NM_001844.5(COL2A1):c.3151G>A (p.Ala1051Thr)

Gene: COL2A1 (collagen type II alpha 1 chain; minus strand). Cytogenetic location: 12q13.11.
Variant type: single nucleotide variant.
Coding change: c.3151G>A on transcript NM_001844.5 (MANE Select); coding-DNA position 3151, G replaced by A.
Protein change: p.Ala1051Thr; replaces alanine 1051 with threonine.
Molecular consequence: missense variant.
Genome position (GRCh38, 1-based): chr12:47,977,614, C>T on the plus strand (G>A on the coding strand, the complement: COL2A1 is on the minus strand). VCF-style: chr12-47977614-C-T. GRCh37 (hg19) VCF-style: chr12-48371397-C-T.
Other names: c.2944G>A, p.Ala982Thr (NM_033150.3); short protein forms A1051T, A982T.
Identifiers: ClinVar variation 308914 (VCV000308914.31), dbSNP rs41272041, ClinGen allele CA6534867.

ClinVar aggregate classification (germline): Benign/Likely benign. Review status: criteria provided, multiple submitters, no conflicts (2 of 4 stars). 9 submissions from 8 submitters: Benign (3); Likely benign (6). Last evaluated 2026-01-21.

Conditions:
Stickler syndrome type 1 (STL1). Also called: COL2A1-Related Stickler Syndrome; ARTHROOPHTHALMOPATHY, HEREDITARY PROGRESSIVE; STICKLER SYNDROME, MEMBRANOUS VITREOUS TYPE; STICKLER SYNDROME, VITREOUS TYPE 1. Identifiers: Orphanet 828, Orphanet 90653, MedGen C2020284, MONDO:0007160, OMIM 108300.
Type 2 collagenopathy. Identifiers: Orphanet 93421, MedGen C2931073, MONDO:0022800.

Allele frequency attached by ClinVar (database versions not stated): gnomAD exomes 0.00019 and 0.00053; ExAC 0.00064; 1000 Genomes Project 0.00160; 1000 Genomes Project 30x 0.00203; gnomAD 0.00219 and 0.00234; TOPMed 0.00244; ESP Exome Variant Server 0.00261.
gnomAD v4.1: 629 of 1,614,100 alleles (0.039%); highest among the groups gnomAD compares: African/African-American, 0.71%; no homozygotes.

Submissions (9):

Labcorp Genetics (formerly Invitae), Labcorp
Classification: Benign. Last evaluated: 2026-01-21. Review status: criteria provided, single submitter. Criteria: Invitae Variant Classification Sherloc (09022015). Collection method: clinical testing. Allele origin: germline.

ARUP Laboratories, Molecular Genetics and Genomics, ARUP Laboratories
Classification: Likely benign. Last evaluated: 2025-06-20. Review status: criteria provided, single submitter. Criteria: ARUP Molecular Germline Variant Investigation Process 2024. Collection method: clinical testing. Allele origin: germline.

Blueprint Genetics
Classification: Likely benign. Last evaluated: 2024-10-21. Review status: criteria provided, single submitter. Criteria: ACMG Guidelines, 2015. Collection method: clinical testing. Allele origin: germline.

GeneDx
Classification: Likely benign. Last evaluated: 2020-10-05. Review status: criteria provided, single submitter. Criteria: GeneDx Variant Classification Process June 2021. Collection method: clinical testing. Allele origin: germline. Affected: yes.

Illumina Laboratory Services, Illumina
Classification: Likely benign for Stickler syndrome type 1. Last evaluated: 2018-01-13. Review status: criteria provided, single submitter. Criteria: ICSL Variant Classification Criteria 13 December 2019. Collection method: clinical testing. Allele origin: germline.
Comment: This variant was observed in the ICSL laboratory as part of a predisposition screen in an ostensibly healthy population. It had not been previously curated by ICSL or reported in the Human Gene Mutation Database (HGMD: prior to June 1st, 2018), and was therefore a candidate for classification through an automated scoring system. Utilizing variant allele frequency, disease prevalence and penetrance estimates, and inheritance mode, an automated score was calculated to assess if this variant is too frequent to cause the disease. Based on the score and internal cut-off values, a variant classified as likely benign is not then subjected to further curation. The score for this variant resulted in a classification of likely benign for this disease.

Illumina Laboratory Services, Illumina
Classification: Benign for Type II Collagenopathies. Last evaluated: 2018-01-13. Review status: criteria provided, single submitter. Criteria: ICSL Variant Classification Criteria 13 December 2019. Collection method: clinical testing. Allele origin: germline.
Comment: This variant was observed in the ICSL laboratory as part of a predisposition screen in an ostensibly healthy population. It had not been previously curated by ICSL or reported in the Human Gene Mutation Database (HGMD: prior to June 1st, 2018), and was therefore a candidate for classification through an automated scoring system. Utilizing variant allele frequency, disease prevalence and penetrance estimates, and inheritance mode, an automated score was calculated to assess if this variant is too frequent to cause the disease. Based on the score and internal cut-off values, a variant classified as benign is not then subjected to further curation. The score for this variant resulted in a classification of benign for this disease.

Eurofins Ntd Llc (ga)
Classification: Benign. Last evaluated: 2017-07-28. Review status: criteria provided, single submitter. Criteria: EGL Classification Definitions 2015. Collection method: clinical testing. Allele origin: germline. Observed: 1 variant allele, 1 heterozygote.

Center for Pediatric Genomic Medicine, Children's Mercy Hospital and Clinics
Classification: Likely benign. Last evaluated: 2017-01-02. Review status: criteria provided, single submitter. Criteria: ACMG Guidelines, 2015. Collection method: clinical testing. Allele origin: germline.
ClinVar note: Converted during submission from Likely Benign to Likely benign.

Breakthrough Genomics
Classification: Likely benign. Review status: criteria provided, single submitter. Criteria: ACMG Guidelines, 2015. Collection method: not provided. Allele origin: germline. Inheritance: Autosomal dominant inheritance. Affected: yes.